The following is an entry in ClinVar:

NM_001851.6(COL9A1):c.1474C>A (p.Pro492Thr)

Gene: COL9A1 (collagen type IX alpha 1 chain; minus strand). Cytogenetic location: 6q13.
Variant type: single nucleotide variant.
Coding change: c.1474C>A on transcript NM_001851.6 (MANE Select); coding-DNA position 1474, C replaced by A.
Protein change: p.Pro492Thr; replaces proline 492 with threonine.
Molecular consequence: missense variant. On other transcripts: non-coding transcript variant (1).
Genome position (GRCh38, 1-based): chr6:70,256,797, G>T on the plus strand (C>A on the coding strand, the complement: COL9A1 is on the minus strand). VCF-style: chr6-70256797-G-T. GRCh37 (hg19) VCF-style: chr6-70966500-G-T.
Other names: c.745C>A, p.Pro249Thr (NM_001377289.1, NM_001377290.1, NM_078485.4); short protein forms P492T, P249T.
Identifiers: ClinVar variation 2086621 (VCV002086621.4), dbSNP rs1771326652, ClinGen allele CA364678462.

ClinVar aggregate classification (germline): Uncertain significance (1 of 4 stars; one submission).

gnomAD v4.1: 1 of 1,613,486 alleles (0.000062%); highest among the groups gnomAD compares: African/African-American, 0.0013%; no homozygotes.

Submission:

Labcorp Genetics (formerly Invitae), Labcorp
Classification: Uncertain significance. Last evaluated: 2022-01-17. Review status: criteria provided, single submitter. Criteria: Invitae Variant Classification Sherloc (09022015). Collection method: clinical testing. Allele origin: germline.
Comment: In summary, the available evidence is currently insufficient to determine the role of this variant in disease. Therefore, it has been classified as a Variant of Uncertain Significance. Advanced modeling of protein sequence and biophysical properties (such as structural, functional, and spatial information, amino acid conservation, physicochemical variation, residue mobility, and thermodynamic stability) performed at Invitae indicates that this missense variant is not expected to disrupt COL9A1 protein function. This variant has not been reported in the literature in individuals affected with COL9A1-related conditions. This variant is not present in population databases (gnomAD no frequency). This sequence change replaces proline, which is neutral and non-polar, with threonine, which is neutral and polar, at codon 492 of the COL9A1 protein (p.Pro492Thr).